The following is an entry in ClinVar:

ClinVar aggregate classification (germline): Likely benign. Review status: criteria provided, single submitter (1 of 4 stars). 2 submissions from 2 submitters: Likely benign (1). 1 of the submissions does not count toward it. Last evaluated 2024-06-29.

Conditions:
EPRS1-related disorder. Also called: EPRS1-related condition.

Allele frequency attached by ClinVar (database versions not stated): gnomAD 0.00001; gnomAD exomes 0.00001; TOPMed 0.00001.
gnomAD v4.1: 13 of 1,613,908 alleles (0.00081%); highest among the groups gnomAD compares: African/African-American, 0.013%; no homozygotes.

Submissions (2):

Labcorp Genetics (formerly Invitae), Labcorp
Classification: Likely benign. Last evaluated: 2024-06-29. Review status: criteria provided, single submitter. Criteria: Invitae Variant Classification Sherloc (09022015). Collection method: clinical testing. Allele origin: germline.

PreventionGenetics, part of Exact Sciences
Classification: Likely benign for EPRS1-related condition. Last evaluated: 2020-10-16. Review status: no assertion criteria provided. Collection method: clinical testing. Allele origin: germline. Not counted in ClinVar's aggregate classification.
Comment: This variant is classified as likely benign based on ACMG/AMP sequence variant interpretation guidelines (Richards et al. 2015 PMID: 25741868, with internal and published modifications).

NM_004446.3(EPRS1):c.591G>A (p.Lys197=)

Gene: EPRS1 (glutamyl-prolyl-tRNA synthetase 1; minus strand). Cytogenetic location: 1q41.
Variant type: single nucleotide variant.
Coding change: c.591G>A on transcript NM_004446.3 (MANE Select); coding-DNA position 591, G replaced by A.
Protein change: p.Lys197=; no amino-acid change (lysine 197 retained).
Molecular consequence: synonymous variant.
Genome position (GRCh38, 1-based): chr1:220,030,418, C>T on the plus strand (G>A on the coding strand, the complement: EPRS1 is on the minus strand). VCF-style: chr1-220030418-C-T. GRCh37 (hg19) VCF-style: chr1-220203760-C-T.
Identifiers: ClinVar variation 3047537 (VCV003047537.4), dbSNP rs1026205267, ClinGen allele CA37525424.